The following is an entry in ClinVar:

NM_001130438.3(SPTAN1):c.6778A>G (p.Ile2260Val)

Gene: SPTAN1 (spectrin alpha, non-erythrocytic 1; plus strand). Cytogenetic location: 9q34.11.
Variant type: single nucleotide variant.
Coding change: c.6778A>G on transcript NM_001130438.3 (MANE Select); coding-DNA position 6778, A replaced by G.
Protein change: p.Ile2260Val; replaces isoleucine 2260 with valine.
Molecular consequence: missense variant.
Genome position (GRCh38, 1-based): chr9:128,632,142, A>G. VCF-style: chr9-128632142-A-G. GRCh37 (hg19) VCF-style: chr9-131394421-A-G.
Other names: c.6703A>G, p.Ile2235Val (NM_001195532.2); c.6841A>G, p.Ile2281Val (NM_001363759.2); c.6718A>G, p.Ile2240Val (NM_001363765.2, NM_001375314.2); c.6865A>G, p.Ile2289Val (NM_001375310.1); c.6877A>G, p.Ile2293Val (NM_001375318.1); c.6763A>G, p.Ile2255Val (NM_003127.4); c.6778A>G, p.Ile2260Val (NM_001375311.2); c.6814A>G, p.Ile2272Val (NM_001375312.2); and 1 more; short protein forms I2235V, I2289V, I2240V, I2254V, I2260V, I2272V, I2293V, I2255V.
Identifiers: ClinVar variation 2129318 (VCV002129318.4), dbSNP rs2542378034, ClinGen allele CA375097252.

ClinVar aggregate classification (germline): Uncertain significance (1 of 4 stars; one submission).

Conditions:
Early-infantile DEE. Also called: Early infantile epileptic encephalopathy; Ohtahara syndrome; Early infantile epileptic encephalopathy with suppression bursts. Identifiers: Orphanet 1934, MedGen C0393706, MONDO:0800491.

Submission:

Labcorp Genetics (formerly Invitae), Labcorp
Classification: Uncertain significance for Early-infantile DEE. Last evaluated: 2022-04-22. Review status: criteria provided, single submitter. Criteria: Invitae Variant Classification Sherloc (09022015). Collection method: clinical testing. Allele origin: germline.
Comment: This variant has not been reported in the literature in individuals affected with SPTAN1-related conditions. This variant is not present in population databases (gnomAD no frequency). This sequence change replaces isoleucine, which is neutral and non-polar, with valine, which is neutral and non-polar, at codon 2260 of the SPTAN1 protein (p.Ile2260Val). Algorithms developed to predict the effect of missense changes on protein structure and function (SIFT, PolyPhen-2, Align-GVGD) all suggest that this variant is likely to be tolerated. In summary, the available evidence is currently insufficient to determine the role of this variant in disease. Therefore, it has been classified as a Variant of Uncertain Significance.